The following is an entry in ClinVar:

ClinVar aggregate classification (germline): Uncertain significance (1 of 4 stars; one submission).

Conditions:
Inborn genetic diseases. Identifiers: MedGen C0950123, MeSH D030342.

Allele frequency attached by ClinVar (database versions not stated): ExAC 0.00001; TOPMed 0.00001; gnomAD 0.00003; ESP Exome Variant Server 0.00008.
gnomAD v4.1: 17 of 1,577,874 alleles (0.0011%); highest among the groups gnomAD compares: Non-Finnish European, 0.0014%; no homozygotes.

Submission:

Ambry Genetics
Classification: Uncertain significance for Inborn genetic diseases. Last evaluated: 2021-07-08. Review status: criteria provided, single submitter. Criteria: Ambry Variant Classification Scheme 2023. Collection method: clinical testing. Allele origin: germline.
Comment: The c.768+5G>A intronic alteration consists of a G to A substitution nucleotides after coding exon 4 in the FUCA1 gene. Based on insufficient or conflicting evidence, the clinical significance of this alteration remains unclear.

NM_000147.5(FUCA1):c.768+5G>A

Gene: FUCA1 (alpha-L-fucosidase 1; minus strand). Cytogenetic location: 1p36.11.
Variant type: single nucleotide variant.
Coding change: c.768+5G>A on transcript NM_000147.5 (MANE Select); 5 bases into the intron after coding-DNA position 768, G replaced by A.
Molecular consequence: intron variant.
Genome position (GRCh38, 1-based): chr1:23,859,793, C>T on the plus strand (G>A on the coding strand, the complement: FUCA1 is on the minus strand). VCF-style: chr1-23859793-C-T. GRCh37 (hg19) VCF-style: chr1-24186283-C-T.
Identifiers: ClinVar variation 2226311 (VCV002226311.2), dbSNP rs369018446, ClinGen allele CA686461.